The following is an entry in ClinVar:

ClinVar aggregate classification (germline): Benign. Review status: criteria provided, multiple submitters, no conflicts (2 of 4 stars). 3 submissions from 3 submitters: Benign (2). 1 of the submissions does not count toward it. Last evaluated 2017-05-31.

Conditions:
Left ventricular noncompaction 7 (LVNC7). Identifiers: Orphanet 54260, MedGen C3554496, MONDO:0014042, OMIM 615092.

Allele frequency attached by ClinVar (database versions not stated): gnomAD exomes 0.00061 and 0.00202; ExAC 0.00241; gnomAD 0.00742 and 0.00792; TOPMed 0.00825; ESP Exome Variant Server 0.00877; 1000 Genomes Project 0.00879; 1000 Genomes Project 30x 0.00984.
gnomAD v4.1: 2,022 of 1,557,124 alleles (0.13%); highest among the groups gnomAD compares: African/African-American, 2.5%; 23 homozygotes.

Submissions (6):

Clinical Genetics DNA and cytogenetics Diagnostics Lab, Erasmus MC, Erasmus Medical Center
Classification: Benign for Left ventricular noncompaction 7. Last evaluated: 2017-05-31. Review status: criteria provided, single submitter. Criteria: ACGS Guidelines, 2013. Collection method: clinical testing. Allele origin: germline. Affected: yes. Study: VKGL Data-share Consensus.

GeneDx
Classification: Benign. Last evaluated: 2016-12-01. Review status: criteria provided, single submitter. Criteria: GeneDx Variant Classification (06012015). Collection method: clinical testing. Allele origin: germline. Affected: yes.
Comment: This variant is considered likely benign or benign based on one or more of the following criteria: it is a conservative change, it occurs at a poorly conserved position in the protein, it is predicted to be benign by multiple in silico algorithms, and/or has population frequency not consistent with disease.

Clinical Genetics, Academic Medical Center
Classification: Benign. Review status: no assertion criteria provided. Collection method: clinical testing. Allele origin: germline. Affected: yes. Study: VKGL Data-share Consensus. Not counted in ClinVar's aggregate classification.

Dr. Peter K. Rogan Lab, Western University
No classification provided (evidence only). Condition: Familial cancer of breast. Review status: no classification provided. Collection method: in vitro. Allele origin: not applicable. Functional consequence: retained intron. Not counted in ClinVar's aggregate classification.

Dr. Peter K. Rogan Lab, Western University
No classification provided (evidence only). Condition: Acute myeloid leukemia. Review status: no classification provided. Collection method: in vitro. Allele origin: not applicable. Functional consequence: retained intron. Not counted in ClinVar's aggregate classification.

Dr. Peter K. Rogan Lab, Western University
No classification provided (evidence only). Condition: Malignant tumor of esophagus. Review status: no classification provided. Collection method: in vitro. Allele origin: not applicable. Functional consequence: retained intron. Not counted in ClinVar's aggregate classification.

NM_020774.4(MIB1):c.1962+17A>G

Gene: MIB1 (MIB E3 ubiquitin protein ligase 1; plus strand). Cytogenetic location: 18q11.2.
Variant type: single nucleotide variant.
Coding change: c.1962+17A>G on transcript NM_020774.4 (MANE Select); 17 bases into the intron after coding-DNA position 1962, A replaced by G.
Molecular consequence: intron variant.
Genome position (GRCh38, 1-based): chr18:21,838,514, A>G. VCF-style: chr18-21838514-A-G. GRCh37 (hg19) VCF-style: chr18-19418475-A-G.
Other names: NC_000018.9:g.19418475A>G.
Identifiers: ClinVar variation 384701 (VCV000384701.5), dbSNP rs139079482, ClinGen allele CA8908466.
Genomic context (GRCh38, chr18:21,838,514, plus strand): 5'-CCCTTAATAATCACGTAGAAGTGGCTGAACTGTTGGTACATCAGGTAAGAAAAGAGTTAA[A>G]TAATTCCCTCTTTTTTATTTTTTTTTAAACAATTTGGGACCATTGCCATTCATTTATTTA-3'